The following is an entry in ClinVar:

ClinVar aggregate classification (germline): Uncertain significance (1 of 4 stars; one submission).

Conditions:
Nemaline myopathy 6 (NEM6). Also called: Nemaline myopathy 6, autosomal dominant. Identifiers: Orphanet 171439, MedGen C1836472, MONDO:0012237, OMIM 609273.

Submission:

Labcorp Genetics (formerly Invitae), Labcorp
Classification: Uncertain significance for Nemaline myopathy 6. Last evaluated: 2025-08-01. Review status: criteria provided, single submitter. Criteria: Invitae Variant Classification Sherloc (09022015). Collection method: clinical testing. Allele origin: germline.
Comment: This sequence change replaces valine, which is neutral and non-polar, with leucine, which is neutral and non-polar, at codon 121 of the KBTBD13 protein (p.Val121Leu). This variant is not present in population databases (gnomAD no frequency). This variant has not been reported in the literature in individuals affected with KBTBD13-related conditions. Invitae Evidence Modeling of protein sequence and biophysical properties (such as structural, functional, and spatial information, amino acid conservation, physicochemical variation, residue mobility, and thermodynamic stability) indicates that this missense variant is not expected to disrupt KBTBD13 protein function with a negative predictive value of 80%. In summary, the available evidence is currently insufficient to determine the role of this variant in disease. Therefore, it has been classified as a Variant of Uncertain Significance.

NM_001101362.3(KBTBD13):c.361G>T (p.Val121Leu)

Gene: KBTBD13 (kelch repeat and BTB domain containing 13; plus strand). Cytogenetic location: 15q22.31.
Variant type: single nucleotide variant.
Coding change: c.361G>T on transcript NM_001101362.3 (MANE Select); coding-DNA position 361, G replaced by T.
Protein change: p.Val121Leu; replaces valine 121 with leucine.
Molecular consequence: missense variant.
Genome position (GRCh38, 1-based): chr15:65,077,176, G>T. VCF-style: chr15-65077176-G-T. GRCh37 (hg19) VCF-style: chr15-65369514-G-T.
Other names: short protein forms V121L.
Identifiers: ClinVar variation 4738520 (VCV004738520.1).